The following is an entry in ClinVar:

NM_001164508.2(NEB):c.4443C>T (p.Phe1481=)

Gene: NEB (nebulin; minus strand). Cytogenetic location: 2q23.3.
Variant type: single nucleotide variant.
Coding change: c.4443C>T on transcript NM_001164508.2 (MANE Select); coding-DNA position 4443, C replaced by T.
Protein change: p.Phe1481=; no amino-acid change (phenylalanine 1481 retained).
Molecular consequence: synonymous variant.
Genome position (GRCh38, 1-based): chr2:151,671,086, G>A on the plus strand (C>T on the coding strand, the complement: NEB is on the minus strand). VCF-style: chr2-151671086-G-A. GRCh37 (hg19) VCF-style: chr2-152527600-G-A.
Other names: c.4443C>T, p.Phe1481= (NM_001164507.2, NM_001271208.2, NM_004543.5); c.4443C>T (NM_001271208.1).
Identifiers: ClinVar variation 1087725 (VCV001087725.11), dbSNP rs764603716, ClinGen allele CA1910629.

ClinVar aggregate classification (germline): Likely benign. Review status: criteria provided, single submitter (1 of 4 stars). 2 submissions from 2 submitters: Likely benign (1). 1 of the submissions does not count toward it. Last evaluated 2025-06-02.

Conditions:
Nemaline myopathy 2 (NEM2). Also called: Nemaline myopathy 2, autosomal recessive. Identifiers: MedGen C1850569, MONDO:0009725, OMIM 256030.
NEB-related disorder. Also called: NEB-related condition; NEB-Related Disorders.

Allele frequency attached by ClinVar (database versions not stated): ExAC 0.00001; gnomAD exomes 0.00001; TOPMed 0.00001.
gnomAD v4.1: 8 of 1,613,982 alleles (0.0005%); highest among the groups gnomAD compares: Non-Finnish European, 0.00068%; 1 homozygote.

Submissions (2):

Labcorp Genetics (formerly Invitae), Labcorp
Classification: Likely benign for Nemaline myopathy 2. Last evaluated: 2025-06-02. Review status: criteria provided, single submitter. Criteria: Invitae Variant Classification Sherloc (09022015). Collection method: clinical testing. Allele origin: germline.

PreventionGenetics, part of Exact Sciences
Classification: Likely benign for NEB-related condition. Last evaluated: 2021-02-16. Review status: no assertion criteria provided. Collection method: clinical testing. Allele origin: germline. Not counted in ClinVar's aggregate classification.
Comment: This variant is classified as likely benign based on ACMG/AMP sequence variant interpretation guidelines (Richards et al. 2015 PMID: 25741868, with internal and published modifications).